The following is an entry in ClinVar:

NM_015425.6(POLR1A):c.2986C>A (p.Leu996Ile)

Gene: POLR1A (RNA polymerase I subunit A; minus strand). Cytogenetic location: 2p11.2.
Variant type: single nucleotide variant.
Coding change: c.2986C>A on transcript NM_015425.6 (MANE Select); coding-DNA position 2986, C replaced by A.
Protein change: p.Leu996Ile; replaces leucine 996 with isoleucine.
Molecular consequence: missense variant.
Genome position (GRCh38, 1-based): chr2:86,044,288, G>T on the plus strand (C>A on the coding strand, the complement: POLR1A is on the minus strand). VCF-style: chr2-86044288-G-T. GRCh37 (hg19) VCF-style: chr2-86271411-G-T.
Other names: short protein forms L996I.
Identifiers: ClinVar variation 1969766 (VCV001969766.6), dbSNP rs775524948, ClinGen allele CA347538625.

ClinVar aggregate classification (germline): Uncertain significance. Review status: criteria provided, multiple submitters, no conflicts (2 of 4 stars). 2 submissions from 2 submitters: Uncertain significance (2). Last evaluated 2025-10-01.

Conditions:
Acrofacial dysostosis Cincinnati type. Identifiers: Orphanet 1200, MedGen C4225317, MONDO:0014651, OMIM 616462.

gnomAD v4.1: 3 of 1,614,174 alleles (0.00019%); highest among the groups gnomAD compares: Non-Finnish European, 0.00025%; no homozygotes.

Submissions (2):

Labcorp Genetics (formerly Invitae), Labcorp
Classification: Uncertain significance. Last evaluated: 2025-10-01. Review status: criteria provided, single submitter. Criteria: Invitae Variant Classification Sherloc (09022015). Collection method: clinical testing. Allele origin: germline.
Comment: This sequence change replaces leucine, which is neutral and non-polar, with isoleucine, which is neutral and non-polar, at codon 996 of the POLR1A protein (p.Leu996Ile). This variant is present in population databases (no rsID available, gnomAD no frequency). This variant has not been reported in the literature in individuals affected with POLR1A-related conditions. ClinVar contains an entry for this variant (Variation ID: 1969766). Invitae Evidence Modeling of protein sequence and biophysical properties (such as structural, functional, and spatial information, amino acid conservation, physicochemical variation, residue mobility, and thermodynamic stability) indicates that this missense variant is expected to disrupt POLR1A protein function with a positive predictive value of 80%. In summary, the available evidence is currently insufficient to determine the role of this variant in disease. Therefore, it has been classified as a Variant of Uncertain Significance.

Laboratorio de Genetica e Diagnostico Molecular, Hospital Israelita Albert Einstein
Classification: Uncertain significance for Acrofacial dysostosis Cincinnati type. Last evaluated: 2024-06-05. Review status: criteria provided, single submitter. Criteria: ACMG Guidelines, 2015. Collection method: clinical testing. Allele origin: germline. Affected: yes.
Comment: ACMG classification criteria: PM2 supporting, PP2 supporting